The following is an entry in ClinVar:

ClinVar aggregate classification (germline): Uncertain significance. Review status: criteria provided, multiple submitters, no conflicts (2 of 4 stars). 2 submissions from 2 submitters: Uncertain significance (2). Last evaluated 2024-08-04.

Allele frequency attached by ClinVar (database versions not stated): gnomAD 0.00016; ESP Exome Variant Server 0.00023; ExAC 0.00008; TOPMed 0.00023.
gnomAD v4.1: 60 of 1,613,598 alleles (0.0037%); highest among the groups gnomAD compares: African/African-American, 0.057%; no homozygotes.

Submissions (2):

Dasa
Classification: Uncertain significance. Last evaluated: 2024-08-04. Review status: criteria provided, single submitter. Criteria: DASA Assertion Criteria. Collection method: clinical testing. Allele origin: germline.
Comment: NM_003146.3(SSRP1):c.499G>A (p.Val167Ile) is a missense variant that results in the substitution of valine with isoleucine. This variant is rare in population databases. Computational prediction algorithms are consistent with a benign effect. The currently available literature and clinical evidence are not sufficient to establish a definitive association between this variant and the reported condition. Therefore, this variant is classified as a variant of uncertain significance.

Ambry Genetics
Classification: Uncertain significance. Last evaluated: 2021-09-27. Review status: criteria provided, single submitter. Criteria: Ambry Variant Classification Scheme 2023. Collection method: clinical testing. Allele origin: germline.

NM_003146.3(SSRP1):c.499G>A (p.Val167Ile)

Gene: SSRP1 (structure specific recognition protein 1; minus strand). Cytogenetic location: 11q12.1.
Variant type: single nucleotide variant.
Coding change: c.499G>A on transcript NM_003146.3 (MANE Select); coding-DNA position 499, G replaced by A.
Protein change: p.Val167Ile; replaces valine 167 with isoleucine.
Molecular consequence: missense variant.
Genome position (GRCh38, 1-based): chr11:57,332,997, C>T on the plus strand (G>A on the coding strand, the complement: SSRP1 is on the minus strand). VCF-style: chr11-57332997-C-T. GRCh37 (hg19) VCF-style: chr11-57100471-C-T.
Other names: short protein forms V167I.
Identifiers: ClinVar variation 2406388 (VCV002406388.4), dbSNP rs145791089, ClinGen allele CA6004682.